The following is an entry in ClinVar:

NM_019066.5(MAGEL2):c.1365A>C (p.Pro455=)

Gene: MAGEL2 (MAGE family member L2; minus strand). Cytogenetic location: 15q11.2.
Variant type: single nucleotide variant.
Coding change: c.1365A>C on transcript NM_019066.5 (MANE Select); coding-DNA position 1365, A replaced by C.
Protein change: p.Pro455=; no amino-acid change (proline 455 retained).
Molecular consequence: synonymous variant.
Genome position (GRCh38, 1-based): chr15:23,646,378, T>G on the plus strand (A>C on the coding strand, the complement: MAGEL2 is on the minus strand). VCF-style: chr15-23646378-T-G. GRCh37 (hg19) VCF-style: chr15-23891525-T-G.
Identifiers: ClinVar variation 2190229 (VCV002190229.28), dbSNP rs1328907263, ClinGen allele CA711339481.
Genomic context (GRCh38, chr15:23,646,378, plus strand): 5'-GGCCTGGCGGATCACAGGTGGGGCCTGGCGGATCACAGCGGGGGCCTGGCGGATCACGGG[T>G]GGGGCCTGGCGGATCACGGGTGGGGCCTGGCGGATCACCGGTGGGGCCTGGCGGATCAGC-3'
Protein context (NP_061939.3, residues 445-465): RQAPPVIRQA[Pro455=]PVIRQAPAVI

ClinVar aggregate classification (germline): Likely benign. Review status: criteria provided, multiple submitters, no conflicts (2 of 4 stars). 2 submissions from 2 submitters: Likely benign (2). Last evaluated 2026-08-01.

Allele frequency attached by ClinVar (database versions not stated): gnomAD exomes below 0.00001.

Submissions (2):

CeGaT Center for Human Genetics Tuebingen
Classification: Likely benign. Last evaluated: 2026-08-01. Review status: criteria provided, single submitter. Criteria: CeGaT Center For Human Genetics Tuebingen Variant Classification Criteria Version 2. Collection method: clinical testing. Allele origin: germline. Affected: yes. Observed: 5 variant alleles.
Comment: MAGEL2: BP4, BP7

Labcorp Genetics (formerly Invitae), Labcorp
Classification: Likely benign. Last evaluated: 2023-05-22. Review status: criteria provided, single submitter. Criteria: Invitae Variant Classification Sherloc (09022015). Collection method: clinical testing. Allele origin: germline.